The following is an entry in ClinVar:

ClinVar aggregate classification (germline): Uncertain significance (1 of 4 stars; one submission).

Conditions:
MHC class I deficiency. Identifiers: Orphanet 34592, MedGen C6024714, MONDO:0011476.

Submission:

Labcorp Genetics (formerly Invitae), Labcorp
Classification: Uncertain significance for MHC class I deficiency 1. Last evaluated: 2023-01-31. Review status: criteria provided, single submitter. Criteria: Invitae Variant Classification Sherloc (09022015). Collection method: clinical testing. Allele origin: germline.
Comment: ClinVar contains an entry for this variant (Variation ID: 1721879). Algorithms developed to predict the effect of missense changes on protein structure and function are either unavailable or do not agree on the potential impact of this missense change (SIFT: "Tolerated"; PolyPhen-2: "Probably Damaging"; Align-GVGD: "Class C0"). In summary, the available evidence is currently insufficient to determine the role of this variant in disease. Therefore, it has been classified as a Variant of Uncertain Significance. This sequence change replaces threonine, which is neutral and polar, with proline, which is neutral and non-polar, at codon 153 of the TAPBP protein (p.Thr153Pro). This variant is not present in population databases (gnomAD no frequency). This variant has not been reported in the literature in individuals affected with TAPBP-related conditions.

NM_003190.5(TAPBP):c.457A>C (p.Thr153Pro)

Gene: TAPBP (TAP binding protein; minus strand). Cytogenetic location: 6p21.32.
Variant type: single nucleotide variant.
Coding change: c.457A>C on transcript NM_003190.5 (MANE Select); coding-DNA position 457, A replaced by C.
Protein change: p.Thr153Pro; replaces threonine 153 with proline.
Molecular consequence: missense variant. On other transcripts: intron variant (1).
Genome position (GRCh38, 1-based): chr6:33,313,229, T>G on the plus strand (A>C on the coding strand, the complement: TAPBP is on the minus strand). VCF-style: chr6-33313229-T-G. GRCh37 (hg19) VCF-style: chr6-33281006-T-G.
Other names: c.457A>C, p.Thr153Pro (NM_001410875.1, NM_172208.3); c.208+465A>C (NM_172209.3); short protein forms T153P.
Identifiers: ClinVar variation 1721879 (VCV001721879.5), dbSNP rs2536774539, ClinGen allele CA363620682.